The following is an entry in ClinVar:

NM_003482.4(KMT2D):c.984G>A (p.Ala328=)

Gene: KMT2D (lysine methyltransferase 2D; minus strand). Cytogenetic location: 12q13.12.
Variant type: single nucleotide variant.
Coding change: c.984G>A on transcript NM_003482.4 (MANE Select); coding-DNA position 984, G replaced by A.
Protein change: p.Ala328=; no amino-acid change (alanine 328 retained).
Molecular consequence: synonymous variant.
Genome position (GRCh38, 1-based): chr12:49,053,043, C>T on the plus strand (G>A on the coding strand, the complement: KMT2D is on the minus strand). VCF-style: chr12-49053043-C-T. GRCh37 (hg19) VCF-style: chr12-49446826-C-T.
Identifiers: ClinVar variation 707098 (VCV000707098.10), dbSNP rs760364650, ClinGen allele CA6548601.

ClinVar aggregate classification (germline): Benign/Likely benign. Review status: criteria provided, multiple submitters, no conflicts (2 of 4 stars). 3 submissions from 3 submitters: Benign (1); Likely benign (1). 1 of the submissions does not count toward it. Last evaluated 2026-01-15.

Conditions:
KMT2D-related disorder. Also called: KMT2D-Related Disorders.
Kabuki syndrome. Also called: Kabuki make-up syndrome; NIIKAWA-KUROKI SYNDROME. Identifiers: Orphanet 2322, MedGen C0796004, MONDO:0016512.

Allele frequency attached by ClinVar (database versions not stated): gnomAD exomes 0.00003 and 0.00010; TOPMed 0.00005; ExAC 0.00012.
gnomAD v4.1: 56 of 1,613,912 alleles (0.0035%); highest among the groups gnomAD compares: Admixed American, 0.035%; no homozygotes.

Submissions (3):

Labcorp Genetics (formerly Invitae), Labcorp
Classification: Likely benign for Kabuki syndrome. Last evaluated: 2026-01-15. Review status: criteria provided, single submitter. Criteria: Invitae Variant Classification Sherloc (09022015). Collection method: clinical testing. Allele origin: germline.

GeneDx
Classification: Benign. Last evaluated: 2021-06-18. Review status: criteria provided, single submitter. Criteria: GeneDx Variant Classification Process June 2021. Collection method: clinical testing. Allele origin: germline. Affected: yes.

PreventionGenetics, part of Exact Sciences
Classification: Likely benign for KMT2D-related condition. Last evaluated: 2021-04-01. Review status: no assertion criteria provided. Collection method: clinical testing. Allele origin: germline. Not counted in ClinVar's aggregate classification.
Comment: This variant is classified as likely benign based on ACMG/AMP sequence variant interpretation guidelines (Richards et al. 2015 PMID: 25741868, with internal and published modifications).